The following is an entry in ClinVar:

ClinVar aggregate classification (germline): Likely benign (1 of 4 stars; one submission).

Conditions:
AP1B1-related disorder. Also called: AP1B1-related condition.

gnomAD v4.1: 564 of 1,614,210 alleles (0.035%); highest among the groups gnomAD compares: African/African-American, 0.6%; 1 homozygote.

Submission:

PreventionGenetics, part of Exact Sciences
Classification: Likely benign for AP1B1-related condition. Last evaluated: 2026-07-16. Review status: criteria provided, single submitter. Criteria: ACMG Guidelines, 2015. Collection method: clinical testing. Allele origin: germline.
Comment: This variant is classified as likely benign based on ACMG/AMP sequence variant interpretation guidelines (Richards et al. 2015 PMID: 25741868, with internal and published modifications).

NM_001127.4(AP1B1):c.2077G>A (p.Ala693Thr)

Gene: AP1B1 (adaptor related protein complex 1 subunit beta 1; minus strand). Cytogenetic location: 22q12.2.
Variant type: single nucleotide variant.
Coding change: c.2077G>A on transcript NM_001127.4 (MANE Select); coding-DNA position 2077, G replaced by A.
Protein change: p.Ala693Thr; replaces alanine 693 with threonine.
Molecular consequence: missense variant.
Genome position (GRCh38, 1-based): chr22:29,339,076, C>T on the plus strand (G>A on the coding strand, the complement: AP1B1 is on the minus strand). VCF-style: chr22-29339076-C-T. GRCh37 (hg19) VCF-style: chr22-29735065-C-T.
Other names: c.2056G>A, p.Ala686Thr (NM_001166019.2, NM_001378563.1, NM_145730.3); c.2077G>A, p.Ala693Thr (NM_001378562.1); c.1906G>A, p.Ala636Thr (NM_001378564.1); c.1885G>A, p.Ala629Thr (NM_001378565.1); c.1870G>A, p.Ala624Thr (NM_001378566.1); short protein forms A624T, A686T, A636T, A693T, A629T.
Identifiers: ClinVar variation 4985625 (VCV004985625.1).